The following is an entry in ClinVar:

ClinVar aggregate classification (germline): Pathogenic (1 of 4 stars; one submission).

Conditions:
Hyperekplexia 3 (HKPX3). Also called: HYPEREKPLEXIA 3, AUTOSOMAL RECESSIVE; HYPEREKPLEXIA 3, AUTOSOMAL DOMINANT. Identifiers: Orphanet 3197, MedGen C3553288, MONDO:0013827, OMIM 614618.

Submission:

Labcorp Genetics (formerly Invitae), Labcorp
Classification: Pathogenic for Hyperekplexia 3. Last evaluated: 2023-03-28. Review status: criteria provided, single submitter. Criteria: Invitae Variant Classification Sherloc (09022015). Collection method: clinical testing. Allele origin: unknown.
Comment: For these reasons, this variant has been classified as Pathogenic. This variant disrupts a region of the SLC6A5 protein in which other variant(s) (p.Pro429Leu) have been determined to be pathogenic (PMID: 31370103; Invitae). This suggests that this is a clinically significant region of the protein, and that variants that disrupt it are likely to be disease-causing. This variant has not been reported in the literature in individuals affected with SLC6A5-related conditions. This variant is a gross deletion of the genomic region encompassing exon(s) 4-16 of the SLC6A5 gene, which includes the termination codon. This deletion extends beyond the assayed region for this gene and therefore may encompass additional genes. While this deletion is not anticipated to lead to nonsense mediated decay, it is expected to alter mRNA translation or result in a truncated protein product.

Literature cited by the submitters: PubMed 31370103.

NC_000011.9:g.(?_20625977)_(20687645_?)del

Gene: SLC6A5 (solute carrier family 6 member 5; plus strand). Cytogenetic location: 11p15.1.
Variant type: Deletion.
Identifiers: ClinVar variation 3244668 (VCV003244668.1).